The following is an entry in ClinVar:

ClinVar aggregate classification (germline): Uncertain significance. Review status: criteria provided, multiple submitters, no conflicts (2 of 4 stars). 2 submissions from 2 submitters: Uncertain significance (2). Last evaluated 2026-08-13.

Conditions:
Charcot-Marie-Tooth Neuropathy X. Identifiers: MedGen CN118851.
Combined oxidative phosphorylation deficiency. Identifiers: MedGen C4540031, MONDO:0000732.

Submissions (2):

GeneDx
Classification: Uncertain significance. Last evaluated: 2026-08-13. Review status: criteria provided, single submitter. Criteria: GeneDx Variant Classification Process June 2021. Collection method: clinical testing. Allele origin: germline.
Comment: Not observed at significant frequency in large population cohorts (gnomAD); In silico analysis supports that this missense variant has a deleterious effect on protein structure/function; Has not been previously published as pathogenic or benign to our knowledge

Labcorp Genetics (formerly Invitae), Labcorp
Classification: Uncertain significance for Charcot-Marie-Tooth Neuropathy X; Combined oxidative phosphorylation deficiency. Last evaluated: 2024-04-16. Review status: criteria provided, single submitter. Criteria: Invitae Variant Classification Sherloc (09022015). Collection method: clinical testing. Allele origin: germline.
Comment: This sequence change replaces aspartic acid, which is acidic and polar, with glycine, which is neutral and non-polar, at codon 183 of the AIFM1 protein (p.Asp183Gly). This variant is not present in population databases (gnomAD no frequency). This variant has not been reported in the literature in individuals affected with AIFM1-related conditions. Advanced modeling of protein sequence and biophysical properties (such as structural, functional, and spatial information, amino acid conservation, physicochemical variation, residue mobility, and thermodynamic stability) has been performed at Invitae for this missense variant, however the output from this modeling did not meet the statistical confidence thresholds required to predict the impact of this variant on AIFM1 protein function. In summary, the available evidence is currently insufficient to determine the role of this variant in disease. Therefore, it has been classified as a Variant of Uncertain Significance.

NM_004208.4(AIFM1):c.548A>G (p.Asp183Gly)

Genes: AIFM1 (apoptosis inducing factor mitochondria associated 1; minus strand), RAB33A (RAB33A, member RAS oncogene family; plus strand). Cytogenetic location: Xq26.1.
Variant type: single nucleotide variant.
Coding change: c.548A>G on transcript NM_004208.4 (MANE Select); coding-DNA position 548, A replaced by G.
Protein change: p.Asp183Gly; replaces aspartic acid 183 with glycine.
Molecular consequence: missense variant. On other transcripts: non-coding transcript variant (1).
Genome position (GRCh38, 1-based): chrX:130,147,550, T>C on the plus strand (A>G on the coding strand, the complement: AIFM1 is on the minus strand). VCF-style: chrX-130147550-T-C. GRCh37 (hg19) VCF-style: chrX-129281525-T-C.
Other names: c.548A>G, p.Asp183Gly (NM_001130847.4); c.536A>G, p.Asp179Gly (NM_145812.3); short protein forms D179G, D183G.
Identifiers: ClinVar variation 3602164 (VCV003602164.5).